The following is an entry in ClinVar:

ClinVar aggregate classification (germline): Benign (1 of 4 stars; one submission).

Allele frequency attached by ClinVar (database versions not stated): 1000 Genomes Project 30x 0.00234; 1000 Genomes Project 0.00240; TOPMed 0.00260; ExAC 0.00263; gnomAD 0.00291 and 0.00293; gnomAD exomes 0.00297 and 0.00374.
gnomAD v4.1: 1,566 of 454,422 alleles (0.34%); highest among the groups gnomAD compares: Non-Finnish European, 0.48%; 7 homozygotes.

Submission:

CeGaT Center for Human Genetics Tuebingen
Classification: Benign. Last evaluated: 2022-09-01. Review status: criteria provided, single submitter. Criteria: CeGaT Center For Human Genetics Tuebingen Variant Classification Criteria Version 2. Collection method: clinical testing. Allele origin: germline. Affected: yes. Observed: 3 variant alleles.
Comment: SPTLC2: BS1, BS2

NM_004863.4(SPTLC2):c.1304-14342C>T

Gene: SPTLC2 (serine palmitoyltransferase long chain base subunit 2; minus strand). Cytogenetic location: 14q24.3.
Variant type: single nucleotide variant.
Coding change: c.1304-14342C>T on transcript NM_004863.4 (MANE Select); 14342 bases into the intron before coding-DNA position 1304, C replaced by T.
Molecular consequence: intron variant.
Genome position (GRCh38, 1-based): chr14:77,535,923, G>A on the plus strand (C>T on the coding strand, the complement: SPTLC2 is on the minus strand). VCF-style: chr14-77535923-G-A. GRCh37 (hg19) VCF-style: chr14-78002266-G-A.
Identifiers: ClinVar variation 1694725 (VCV001694725.31), dbSNP rs187275323, ClinGen allele CA7289202.